The following is an entry in ClinVar:

NM_000355.4(TCN2):c.1196G>A (p.Arg399Gln)

Gene: TCN2 (transcobalamin 2; plus strand). Cytogenetic location: 22q12.2.
Variant type: single nucleotide variant.
Coding change: c.1196G>A on transcript NM_000355.4 (MANE Select); coding-DNA position 1196, G replaced by A.
Protein change: p.Arg399Gln; replaces arginine 399 with glutamine.
Molecular consequence: missense variant.
Genome position (GRCh38, 1-based): chr22:30,623,057, G>A. VCF-style: chr22-30623057-G-A. GRCh37 (hg19) VCF-style: chr22-31019044-G-A.
Other names: NM_000355.3(TCN2):c.1196G>A(p.Arg399Gln); NM_001184726.1(TCN2):c.1115G>A(p.Arg372Gln); c.1115G>A, p.Arg372Gln (NM_001184726.2); short protein forms R399Q, R372Q.
Identifiers: ClinVar variation 341215 (VCV000341215.30), dbSNP rs4820889, ClinGen allele CA10185017.

ClinVar aggregate classification (germline): Benign/Likely benign. Review status: criteria provided, multiple submitters, no conflicts (2 of 4 stars). 8 submissions from 8 submitters: Benign (7); Likely benign (1). Last evaluated 2026-02-03.

Conditions:
Transcobalamin II deficiency (TCN2D). Also called: TC II DEFICIENCY; TCN2 DEFICIENCY; Transcolabamin II deficiency. Identifiers: Orphanet 859, MedGen C0342701, MONDO:0010149, OMIM 275350.

Allele frequency attached by ClinVar (database versions not stated): ExAC 0.03511; gnomAD 0.05061 and 0.05200; TOPMed 0.05294; ESP Exome Variant Server 0.05321; 1000 Genomes Project 0.05651; 1000 Genomes Project 30x 0.05981.

Submissions (8):

Labcorp Genetics (formerly Invitae), Labcorp
Classification: Benign for Transcobalamin II deficiency. Last evaluated: 2026-02-03. Review status: criteria provided, single submitter. Criteria: Invitae Variant Classification Sherloc (09022015). Collection method: clinical testing. Allele origin: germline.

Mayo Clinic Laboratories, Mayo Clinic
Classification: Benign. Last evaluated: 2025-07-29. Review status: criteria provided, single submitter. Criteria: ACMG Guidelines, 2015. Collection method: clinical testing. Allele origin: germline. Observed: 9 variant alleles.
Comment: BA1, BS2, BP4

ARUP Laboratories, Molecular Genetics and Genomics, ARUP Laboratories
Classification: Benign for Transcobalamin II deficiency. Last evaluated: 2025-06-03. Review status: criteria provided, single submitter. Criteria: ARUP Molecular Germline Variant Investigation Process 2024. Collection method: clinical testing. Allele origin: germline.

Blueprint Genetics
Classification: Likely benign. Last evaluated: 2024-11-28. Review status: criteria provided, single submitter. Criteria: ACMG Guidelines, 2015. Collection method: clinical testing. Allele origin: germline.

GeneDx
Classification: Benign. Last evaluated: 2019-02-08. Review status: criteria provided, single submitter. Criteria: GeneDx Variant Classification Process June 2021. Collection method: clinical testing. Allele origin: germline. Affected: yes.
Comment: This variant is associated with the following publications: (PMID: 12107818, 25525159)

SIB Swiss Institute of Bioinformatics
Classification: Benign. Last evaluated: 2018-05-31. Review status: criteria provided, single submitter. Criteria: ACMG Guidelines, 2015. Collection method: curation. Allele origin: unknown.
Comment: This variant is interpreted as a Benign - Stand Alone. The following ACMG Tag(s) were applied: BA1 => Allele frequency is >10% in African population in Exome Aggregation Consortium.

Illumina Laboratory Services, Illumina
Classification: Benign for Transcobalamin II deficiency. Last evaluated: 2018-03-06. Review status: criteria provided, single submitter. Criteria: ICSL Variant Classification Criteria 13 December 2019. Collection method: clinical testing. Allele origin: germline.
Comment: This variant was observed in the ICSL laboratory as part of a predisposition screen in an ostensibly healthy population. It had not been previously curated by ICSL or reported in the Human Gene Mutation Database (HGMD: prior to June 1st, 2018), and was therefore a candidate for classification through an automated scoring system. Utilizing variant allele frequency, disease prevalence and penetrance estimates, and inheritance mode, an automated score was calculated to assess if this variant is too frequent to cause the disease. Based on the score and internal cut-off values, a variant classified as benign is not then subjected to further curation. The score for this variant resulted in a classification of benign for this disease.

Breakthrough Genomics
Classification: Benign. Review status: criteria provided, single submitter. Criteria: ACMG Guidelines, 2015. Collection method: not provided. Allele origin: germline. Inheritance: Autosomal recessive inheritance. Affected: yes.